The following is an entry in ClinVar:

NM_015627.3(LDLRAP1):c.432C>T (p.His144=)

Gene: LDLRAP1 (low density lipoprotein receptor adaptor protein 1; plus strand). Cytogenetic location: 1p36.11.
Variant type: single nucleotide variant.
Coding change: c.432C>T on transcript NM_015627.3 (MANE Select); coding-DNA position 432, C replaced by T.
Protein change: p.His144=; no amino-acid change (histidine 144 retained).
Molecular consequence: synonymous variant.
Genome position (GRCh38, 1-based): chr1:25,557,240, C>T. VCF-style: chr1-25557240-C-T. GRCh37 (hg19) VCF-style: chr1-25883731-C-T.
Other names: p.His144=.
Identifiers: ClinVar variation 536200 (VCV000536200.20), dbSNP rs200840583, ClinGen allele CA695545.
Genomic context (GRCh38, chr1:25,557,240, plus strand): 5'-GCACGACAAGGTGTTTGCATACATCGCCCAGAGCCAGCACAACCAGAGCCTCGAGTGCCA[C>T]GCCTTCCTCTGCACCAAGCGGAAGATGGTCAGCGGGGAGGGCTGGGGCGGGGACAGGGTC-3'
Protein context (NP_056442.2, residues 134-154): QSQHNQSLEC[His144=]AFLCTKRKMA

ClinVar aggregate classification (germline): Benign/Likely benign. Review status: criteria provided, multiple submitters, no conflicts (2 of 4 stars). 8 submissions from 8 submitters: Benign (2); Likely benign (6). Last evaluated 2026-01-16.

Conditions:
Hypercholesterolemia, familial, 4 (FHCL4). Also called: HYPERCHOLESTEROLEMIA, AUTOSOMAL RECESSIVE, 1; HYPERCHOLESTEROLEMIA, AUTOSOMAL RECESSIVE, 2. Identifiers: Orphanet 391665, MedGen C1863512, MONDO:0011374, OMIM 603813.
Cardiovascular phenotype. Identifiers: MedGen CN230736.

Allele frequency attached by ClinVar (database versions not stated): gnomAD exomes 0.00012 and 0.00028; ExAC 0.00033; gnomAD 0.00061 and 0.00064; TOPMed 0.00067; ESP Exome Variant Server 0.00069; 1000 Genomes Project 0.00080; 1000 Genomes Project 30x 0.00141.
gnomAD v4.1: 271 of 1,614,022 alleles (0.017%); highest among the groups gnomAD compares: African/African-American, 0.21%; no homozygotes.

Submissions (8):

Labcorp Genetics (formerly Invitae), Labcorp
Classification: Benign for Hypercholesterolemia, familial, 4. Last evaluated: 2026-01-16. Review status: criteria provided, single submitter. Criteria: Invitae Variant Classification Sherloc (09022015). Collection method: clinical testing. Allele origin: germline.

Mayo Clinic Laboratories, Mayo Clinic
Classification: Likely benign. Last evaluated: 2025-06-16. Review status: criteria provided, single submitter. Criteria: ACMG Guidelines, 2015. Collection method: clinical testing. Allele origin: germline. Observed: 2 variant alleles.
Comment: BS1, BP4, BP7

Molecular Diagnostic Laboratory for Inherited Cardiovascular Disease, Montreal Heart Institute
Classification: Benign. Last evaluated: 2025-04-09. Review status: criteria provided, single submitter. Criteria: ACMG Guidelines, 2015. Collection method: clinical testing. Allele origin: germline. Affected: no.
Comment: BS1;BP7

ARUP Laboratories, Molecular Genetics and Genomics, ARUP Laboratories
Classification: Likely benign for Hypercholesterolemia, familial, 4. Last evaluated: 2024-04-29. Review status: criteria provided, single submitter. Criteria: ARUP Molecular Germline Variant Investigation Process 2024. Collection method: clinical testing. Allele origin: germline.

Genome-Nilou Lab
Classification: Likely benign for Hypercholesterolemia, familial, 4. Last evaluated: 2023-04-11. Review status: criteria provided, single submitter. Criteria: ACMG Guidelines, 2015. Collection method: clinical testing. Allele origin: germline. Affected: no.

Women's Health and Genetics/Laboratory Corporation of America, LabCorp
Classification: Likely benign. Last evaluated: 2020-10-01. Review status: criteria provided, single submitter. Criteria: LabCorp Variant Classification Summary - May 2015. Collection method: clinical testing. Allele origin: germline.

Ambry Genetics
Classification: Likely benign for Cardiovascular phenotype. Last evaluated: 2018-07-12. Review status: criteria provided, single submitter. Criteria: Ambry Variant Classification Scheme 2023. Collection method: clinical testing. Allele origin: germline.

Breakthrough Genomics
Classification: Likely benign. Review status: criteria provided, single submitter. Criteria: ACMG Guidelines, 2015. Collection method: not provided. Allele origin: germline. Inheritance: Autosomal recessive inheritance. Affected: yes.